The following is an entry in ClinVar:

NM_004364.5(CEBPA):c.647C>A (p.Thr216Asn)

Gene: CEBPA (CCAAT enhancer binding protein alpha; minus strand). Cytogenetic location: 19q13.11.
Variant type: single nucleotide variant.
Coding change: c.647C>A on transcript NM_004364.5 (MANE Select); coding-DNA position 647, C replaced by A.
Protein change: p.Thr216Asn; replaces threonine 216 with asparagine.
Molecular consequence: missense variant.
Genome position (GRCh38, 1-based): chr19:33,301,768, G>T on the plus strand (C>A on the coding strand, the complement: CEBPA is on the minus strand). VCF-style: chr19-33301768-G-T. GRCh37 (hg19) VCF-style: chr19-33792674-G-T.
Other names: c.290C>A, p.Thr97Asn (NM_001285829.2); c.752C>A, p.Thr251Asn (NM_001287424.2); c.605C>A, p.Thr202Asn (NM_001287435.2); short protein forms T216N, T97N, T202N, T251N.
Identifiers: ClinVar variation 4611154 (VCV004611154.1).
Genomic context (GRCh38, chr19:33,301,768, plus strand): 5'-TGCGGGCTGGGCACGGGCGTGGGCGGCGGCGTGGGGTGACCGGGCTGCAGGTGCATGGTG[G>T]TCTGGCCGCAGTGCGCGATCTGGAACTGCAGGTGCGGGGCGGCCAGGTGCGCGGGCGGCG-3'
Protein context (NP_004355.2, residues 206-226): LQFQIAHCGQ[Thr216Asn]TMHLQPGHPT

ClinVar aggregate classification (germline): Uncertain significance (1 of 4 stars; one submission).

Conditions:
Inborn genetic diseases. Identifiers: MedGen C0950123, MeSH D030342.

Submission:

Ambry Genetics
Classification: Uncertain significance for Inborn genetic diseases. Last evaluated: 2025-10-12. Review status: criteria provided, single submitter. Criteria: Ambry Variant Classification Scheme 2023. Collection method: clinical testing. Allele origin: germline.
Comment: The p.T216N variant (also known as c.647C>A), located in coding exon 1 of the CEBPA gene, results from a C to A substitution at nucleotide position 647. The threonine at codon 216 is replaced by asparagine, an amino acid with similar properties. This amino acid position is conserved. In addition, this alteration is predicted to be tolerated by in silico analysis. Based on the available evidence, the clinical significance of this variant remains unclear.